The following is an entry in ClinVar:

NM_002435.3(MPI):c.845-2A>G

Gene: MPI (mannose phosphate isomerase; plus strand). Cytogenetic location: 15q24.1.
Variant type: single nucleotide variant.
Coding change: c.845-2A>G on transcript NM_002435.3 (MANE Select); the canonical splice acceptor site of the intron before coding-DNA position 845, A replaced by G.
Molecular consequence: splice acceptor variant. On other transcripts: intron variant (1).
Genome position (GRCh38, 1-based): chr15:74,897,009, A>G. VCF-style: chr15-74897009-A-G. GRCh37 (hg19) VCF-style: chr15-75189350-A-G.
Other names: c.785-2A>G (NM_001330372.2); c.845-503A>G (NM_001289155.2); c.662-2A>G (NM_001289157.2); c.695-2A>G (NM_001289156.2).
Identifiers: ClinVar variation 834890 (VCV000834890.10), dbSNP rs2064828055, ClinGen allele CA393177000.

ClinVar aggregate classification (germline): Likely pathogenic. Review status: criteria provided, multiple submitters, no conflicts (2 of 4 stars). 2 submissions from 2 submitters: Likely pathogenic (2). Last evaluated 2023-09-08.

Conditions:
MPI-congenital disorder of glycosylation. Also called: MANNOSEPHOSPHATE ISOMERASE DEFICIENCY; MPI DEFICIENCY; PROTEIN-LOSING ENTEROPATHY-HEPATIC FIBROSIS SYNDROME; CONGENITAL DISORDER OF GLYCOSYLATION, TYPE Ib; CDG Ib; MPI-CDG. Identifiers: Orphanet 79319, MedGen C1865145, MONDO:0011257, OMIM 602579.

Allele frequency attached by ClinVar (database versions not stated): gnomAD exomes below 0.00001.
gnomAD v4.1: 1 of 1,614,138 alleles (0.000062%); highest among the groups gnomAD compares: Non-Finnish European, 0.000085%; no homozygotes.

Submissions (2):

Labcorp Genetics (formerly Invitae), Labcorp
Classification: Likely pathogenic for MPI-congenital disorder of glycosylation. Last evaluated: 2023-09-08. Review status: criteria provided, single submitter. Criteria: Invitae Variant Classification Sherloc (09022015). Collection method: clinical testing. Allele origin: germline.
Comment: This sequence change affects an acceptor splice site in intron 6 of the MPI gene. It is expected to disrupt RNA splicing. Variants that disrupt the donor or acceptor splice site typically lead to a loss of protein function (PMID: 16199547), and loss-of-function variants in MPI are known to be pathogenic (PMID: 19862844). This variant is not present in population databases (gnomAD no frequency). This variant has not been reported in the literature in individuals affected with MPI-related conditions. ClinVar contains an entry for this variant (Variation ID: 834890). Algorithms developed to predict the effect of sequence changes on RNA splicing suggest that this variant may disrupt the consensus splice site. In summary, the currently available evidence indicates that the variant is pathogenic, but additional data are needed to prove that conclusively. Therefore, this variant has been classified as Likely Pathogenic.

Baylor Genetics
Classification: Likely pathogenic for MPI-congenital disorder of glycosylation. Last evaluated: 2023-08-14. Review status: criteria provided, single submitter. Criteria: ACMG Guidelines, 2015. Collection method: clinical testing. Allele origin: unknown.

Literature cited by the submitters: PubMed 16199547 (cited by Labcorp Genetics (formerly Invitae), Labcorp); PubMed 19862844 (cited by Labcorp Genetics (formerly Invitae), Labcorp).